The following is an entry in ClinVar:

NM_002907.4(RECQL):c.644G>A (p.Arg215Gln)

Gene: RECQL (RecQ like helicase; minus strand). Cytogenetic location: 12p12.1.
Variant type: single nucleotide variant.
Coding change: c.644G>A on transcript NM_002907.4 (MANE Select); coding-DNA position 644, G replaced by A.
Protein change: p.Arg215Gln; replaces arginine 215 with glutamine.
Molecular consequence: missense variant.
Genome position (GRCh38, 1-based): chr12:21,483,432, C>T on the plus strand (G>A on the coding strand, the complement: RECQL is on the minus strand). VCF-style: chr12-21483432-C-T. GRCh37 (hg19) VCF-style: chr12-21636366-C-T.
Other names: c.644G>A, p.Arg215Gln (NM_032941.3); short protein forms R215Q.
Identifiers: ClinVar variation 961379 (VCV000961379.12), dbSNP rs561515655, ClinGen allele CA6479019.

ClinVar aggregate classification (germline): Conflicting classifications of pathogenicity. Review status: criteria provided, conflicting classifications (1 of 4 stars). 3 submissions from 3 submitters: Uncertain significance (2); Likely benign (1). Last evaluated 2025-12-10.

Allele frequency attached by ClinVar (database versions not stated): TOPMed 0.00006.
gnomAD v4.1: 18 of 1,606,084 alleles (0.0011%); highest among the groups gnomAD compares: East Asian, 0.027%; no homozygotes.

Submissions (3):

Labcorp Genetics (formerly Invitae), Labcorp
Classification: Uncertain significance. Last evaluated: 2025-12-10. Review status: criteria provided, single submitter. Criteria: Invitae Variant Classification Sherloc (09022015). Collection method: clinical testing. Allele origin: germline.
Comment: This sequence change replaces arginine, which is basic and polar, with glutamine, which is neutral and polar, at codon 215 of the RECQL protein (p.Arg215Gln). This variant is present in population databases (rs561515655, gnomAD 0.03%). This missense change has been observed in individual(s) with breast cancer (PMID: 25945795, 28724667). ClinVar contains an entry for this variant (Variation ID: 961379). Invitae Evidence Modeling of protein sequence and biophysical properties (such as structural, functional, and spatial information, amino acid conservation, physicochemical variation, residue mobility, and thermodynamic stability) has been performed for this missense variant. However, the output from this modeling did not meet the statistical confidence thresholds required to predict the impact of this variant on RECQL protein function. Experimental studies have shown that this missense change affects RECQL function (PMID: 25945795). In summary, the available evidence is currently insufficient to determine the role of this variant in disease. Therefore, it has been classified as a Variant of Uncertain Significance.

Quest Diagnostics Nichols Institute San Juan Capistrano
Classification: Uncertain significance. Last evaluated: 2025-02-06. Review status: criteria provided, single submitter. Criteria: Quest Diagnostics criteria. Collection method: clinical testing. Allele origin: unknown.
Comment: The RECQL c.644G>A (p.Arg215Gln) variant has been reported in the published literature in individuals affected with breast cancer (PMIDs: 28724667 (2017), 25945795 (2015)). In addition, this variant has been reported as having a deleterious effect on RECQL protein function (PMID: 25945795 (2015)). The frequency of this variant in the general population (Genome Aggregation Database) is uninformative in the assessment of its pathogenicity. Analysis of this variant using bioinformatics tools for the prediction of the effect of amino acid changes on protein structure and function yielded predictions that this variant is damaging. Based on the available information, we are unable to determine the clinical significance of this variant.

Ambry Genetics
Classification: Likely benign. Last evaluated: 2024-07-23. Review status: criteria provided, single submitter. Criteria: Ambry Variant Classification Scheme 2023. Collection method: clinical testing. Allele origin: germline.

Literature cited by the submitters: PubMed 25945795 (cited by 3 submitters); PubMed 28724667 (cited by Labcorp Genetics (formerly Invitae), Labcorp and Quest Diagnostics Nichols Institute San Juan Capistrano).